The following is an entry in ClinVar:

NM_005422.4(TECTA):c.1111A>G (p.Arg371Gly)

Genes: TECTA (tectorin alpha; plus strand), TBCEL-TECTA (TBCEL-TECTA readthrough; plus strand). Cytogenetic location: 11q23.3.
Variant type: single nucleotide variant.
Coding change: c.1111A>G on transcript NM_005422.4 (MANE Select); coding-DNA position 1111, A replaced by G.
Protein change: p.Arg371Gly; replaces arginine 371 with glycine.
Molecular consequence: missense variant.
Genome position (GRCh38, 1-based): chr11:121,118,626, A>G. VCF-style: chr11-121118626-A-G. GRCh37 (hg19) VCF-style: chr11-120989335-A-G.
Other names: NM_005422.2(TECTA):c.1111A>G(p.Arg371Gly); NM_005422.2(TECTA):c.1111A>G; c.2068A>G, p.Arg690Gly (NM_001378761.1); short protein forms R371G, R690G.
Identifiers: ClinVar variation 45314 (VCV000045314.22), dbSNP rs612969, ClinGen allele CA136018.
Genomic context (GRCh38, chr11:121,118,626, plus strand): 5'-CAGTGTTTGCAGACTTCCAGCCTCCCTTTCTTCAGTGTGGAGGCCAAGAATGAACACCGC[A>G]GAGGTTCAGCCGTCTCCTGGGTGAAGGAGCTCTCAGTGGAGGTGAATGGCTACAAGATTC-3'
Protein context (NP_005413.2, residues 361-381): FSVEAKNEHR[Arg371Gly]GSAVSWVKEL

ClinVar aggregate classification (germline): Benign. Review status: reviewed by expert panel (3 of 4 stars). 11 submissions from 9 submitters: Benign (1). 10 of the submissions do not count toward it. Last evaluated 2018-09-28.

Conditions:
Nonsyndromic genetic hearing loss. Also called: Nonsyndromic genetic deafness; Nonsyndromic hearing loss and deafness; Non-syndromic genetic deafness. Identifiers: Orphanet 87884, MedGen C5680182, MONDO:0019497.
Autosomal recessive nonsyndromic hearing loss 21. Identifiers: Orphanet 90636, MedGen C1863655, MONDO:0011351, OMIM 603629.
Autosomal dominant nonsyndromic hearing loss 12. Also called: DEAFNESS, AUTOSOMAL DOMINANT 8. Identifiers: Orphanet 90635, MedGen C1832187, MONDO:0011102, OMIM 601543.

Allele frequency attached by ClinVar (database versions not stated): gnomAD exomes 0.39755 and 0.41845; ExAC 0.40297; 1000 Genomes Project 0.44329; 1000 Genomes Project 30x 0.45425; gnomAD 0.47703 and 0.48670; TOPMed 0.47929; ESP Exome Variant Server 0.49731.
gnomAD v4.1: 683,189 of 1,613,798 alleles (42%); highest among the groups gnomAD compares: African/African-American, 69%; 149,284 homozygotes.

Submissions (11):

ClinGen Hearing Loss Variant Curation Expert Panel
Classification: Benign for Nonsyndromic genetic hearing loss. Last evaluated: 2018-09-28. Review status: reviewed by expert panel. Criteria: ClinGen HL ACMG Specifications v1. Collection method: curation. Allele origin: germline.
Comment: The filtering allele frequency of the p.Arg317Gly variant in the TECTA gene is 67.5% (16434/24006) of African chromosomes by the Genome Aggregation Database (calculated by using inverse allele frequency at an online resource), which is a high enough frequency to be classified as benign based on thresholds defined by the ClinGen Hearing Loss Expert Panel for autosomal dominant and autosomal recessive hearing loss variants (BA1).

Labcorp Genetics (formerly Invitae), Labcorp
Classification: Benign. Last evaluated: 2026-02-04. Review status: criteria provided, single submitter. Criteria: Invitae Variant Classification Sherloc (09022015). Collection method: clinical testing. Allele origin: germline. Not counted in ClinVar's aggregate classification.

Genome-Nilou Lab
Classification: Benign for Autosomal dominant nonsyndromic hearing loss 12. Last evaluated: 2021-09-10. Review status: criteria provided, single submitter. Criteria: ACMG Guidelines, 2015. Collection method: clinical testing. Allele origin: germline. Affected: no. Not counted in ClinVar's aggregate classification.

Genome-Nilou Lab
Classification: Benign for Autosomal recessive nonsyndromic hearing loss 21. Last evaluated: 2021-09-10. Review status: criteria provided, single submitter. Criteria: ACMG Guidelines, 2015. Collection method: clinical testing. Allele origin: germline. Affected: no. Not counted in ClinVar's aggregate classification.

Mayo Clinic Laboratories, Mayo Clinic
Classification: Benign. Last evaluated: 2020-10-02. Review status: criteria provided, single submitter. Criteria: ACMG Guidelines, 2015. Collection method: clinical testing. Allele origin: germline. Observed: 112 variant alleles. Not counted in ClinVar's aggregate classification.

Illumina Laboratory Services, Illumina
Classification: Benign for Autosomal dominant nonsyndromic hearing loss 12. Last evaluated: 2018-01-12. Review status: criteria provided, single submitter. Criteria: ICSL Variant Classification Criteria 13 December 2019. Collection method: clinical testing. Allele origin: germline. Not counted in ClinVar's aggregate classification.
Comment: This variant was observed in the ICSL laboratory as part of a predisposition screen in an ostensibly healthy population. It had not been previously curated by ICSL or reported in the Human Gene Mutation Database (HGMD: prior to June 1st, 2018), and was therefore a candidate for classification through an automated scoring system. Utilizing variant allele frequency, disease prevalence and penetrance estimates, and inheritance mode, an automated score was calculated to assess if this variant is too frequent to cause the disease. Based on the score and internal cut-off values, a variant classified as benign is not then subjected to further curation. The score for this variant resulted in a classification of benign for this disease.

Illumina Laboratory Services, Illumina
Classification: Benign for Autosomal recessive nonsyndromic hearing loss 21. Last evaluated: 2018-01-12. Review status: criteria provided, single submitter. Criteria: ICSL Variant Classification Criteria 13 December 2019. Collection method: clinical testing. Allele origin: germline. Not counted in ClinVar's aggregate classification.
Comment: the same text as in the submission from Illumina Laboratory Services, Illumina above.

GeneDx
Classification: Benign. Last evaluated: 2017-05-09. Review status: criteria provided, single submitter. Criteria: GeneDx Variant Classification (06012015). Collection method: clinical testing. Allele origin: germline. Affected: yes. Not counted in ClinVar's aggregate classification.
Comment: This variant is considered likely benign or benign based on one or more of the following criteria: it is a conservative change, it occurs at a poorly conserved position in the protein, it is predicted to be benign by multiple in silico algorithms, and/or has population frequency not consistent with disease.

Laboratory for Molecular Medicine, Mass General Brigham Personalized Medicine
Classification: Benign. Last evaluated: 2012-05-07. Review status: criteria provided, single submitter. Criteria: LMM Criteria. Collection method: clinical testing. Allele origin: germline. Observed: 1,084 variant alleles. Not counted in ClinVar's aggregate classification.
Comment: Arg371Gly in Exon 06 of TECTA: This variant is not expected to have clinical sig nificance because it has been identified in 41.0% (2877/7020) of European Americ an chromosomes from a broad population by the NHLBI Exome Sequencing Project (dbSNP rs612969).

Breakthrough Genomics
Classification: Benign. Review status: criteria provided, single submitter. Criteria: ACMG Guidelines, 2015. Collection method: not provided. Allele origin: germline. Inheritance: Autosomal recessive inheritance. Affected: yes. Not counted in ClinVar's aggregate classification.

PreventionGenetics, part of Exact Sciences
Classification: Benign. Review status: criteria provided, single submitter. Criteria: ACMG Guidelines, 2015. Collection method: clinical testing. Allele origin: germline. Not counted in ClinVar's aggregate classification.